The following is an entry in ClinVar:

ClinVar aggregate classification (germline): Uncertain significance (1 of 4 stars; one submission).

Submission:

Ambry Genetics
Classification: Uncertain significance. Last evaluated: 2025-03-14. Review status: criteria provided, single submitter. Criteria: Ambry Variant Classification Scheme 2023. Collection method: clinical testing. Allele origin: germline.
Comment: The p.G640E variant (also known as c.1919G>A), located in coding exon 14 of the RECQL gene, results from a G to A substitution at nucleotide position 1919. The glycine at codon 640 is replaced by glutamic acid, an amino acid with similar properties. This amino acid position is conserved. In addition, this alteration is predicted to be tolerated by in silico analysis. Since supporting evidence is limited at this time, the clinical significance of this alteration remains unclear.

NM_002907.4(RECQL):c.1919G>A (p.Gly640Glu)

Genes: PYROXD1 (pyridine nucleotide-disulphide oxidoreductase domain 1; plus strand), RECQL (RecQ like helicase; minus strand). Cytogenetic location: 12p12.1.
Variant type: single nucleotide variant.
Coding change: c.1919G>A on transcript NM_002907.4 (MANE Select); coding-DNA position 1919, G replaced by A.
Protein change: p.Gly640Glu; replaces glycine 640 with glutamic acid.
Molecular consequence: missense variant. On other transcripts: 3 prime UTR variant (3).
Genome position (GRCh38, 1-based): chr12:21,470,225, C>T on the plus strand (G>A on the coding strand, the complement: RECQL is on the minus strand). VCF-style: chr12-21470225-C-T. GRCh37 (hg19) VCF-style: chr12-21623159-C-T.
Other names: c.1919G>A, p.Gly640Glu (NM_032941.3); c.*1471C>T (NM_001350912.2, NM_001350913.2, NM_024854.5); short protein forms G640E.
Identifiers: ClinVar variation 1782622 (VCV001782622.3), dbSNP rs2540304428, ClinGen allele CA384113545.